The following is an entry in ClinVar:

NM_001271.4(CHD2):c.3890T>C (p.Leu1297Pro)

Gene: CHD2 (chromodomain helicase DNA binding protein 2; plus strand). Cytogenetic location: 15q26.1.
Variant type: single nucleotide variant.
Coding change: c.3890T>C on transcript NM_001271.4 (MANE Select); coding-DNA position 3890, T replaced by C.
Protein change: p.Leu1297Pro; replaces leucine 1297 with proline.
Molecular consequence: missense variant.
Genome position (GRCh38, 1-based): chr15:92,998,503, T>C. VCF-style: chr15-92998503-T-C. GRCh37 (hg19) VCF-style: chr15-93541733-T-C.
Other names: short protein forms L1297P.
Identifiers: ClinVar variation 3636686 (VCV003636686.2).

ClinVar aggregate classification (germline): Uncertain significance (1 of 4 stars; one submission).

Conditions:
Developmental and epileptic encephalopathy 94 (DEE94). Also called: Epileptic encephalopathy, childhood-onset; CHD2-Related Neurodevelopmental Disorders. Identifiers: Orphanet 1942, Orphanet 2382, MedGen C3809278, MONDO:0014150, OMIM 615369.

Submission:

Labcorp Genetics (formerly Invitae), Labcorp
Classification: Uncertain significance for Developmental and epileptic encephalopathy 94. Last evaluated: 2024-04-25. Review status: criteria provided, single submitter. Criteria: Invitae Variant Classification Sherloc (09022015). Collection method: clinical testing. Allele origin: germline.
Comment: This sequence change replaces leucine, which is neutral and non-polar, with proline, which is neutral and non-polar, at codon 1297 of the CHD2 protein (p.Leu1297Pro). This variant is not present in population databases (gnomAD no frequency). This variant has not been reported in the literature in individuals affected with CHD2-related conditions. Advanced modeling of protein sequence and biophysical properties (such as structural, functional, and spatial information, amino acid conservation, physicochemical variation, residue mobility, and thermodynamic stability) has been performed at Invitae for this missense variant, however the output from this modeling did not meet the statistical confidence thresholds required to predict the impact of this variant on CHD2 protein function. In summary, the available evidence is currently insufficient to determine the role of this variant in disease. Therefore, it has been classified as a Variant of Uncertain Significance.